The following is an entry in ClinVar:

NM_015047.3(EMC1):c.756_786+29dup

Genes: EMC1-AS1 (EMC1 antisense RNA 1; plus strand), EMC1 (ER membrane protein complex subunit 1; minus strand). Cytogenetic location: 1p36.13.
Variant type: Duplication.
Coding change: c.756_786+29dup on transcript NM_015047.3 (MANE Select); coding-DNA position 756 through 29 bases into the intron after coding-DNA position 786, 60 bases duplicated.
Molecular consequence: splice donor variant. On other transcripts: non-coding transcript variant (1).
Genome position (GRCh38, 1-based): chr1:19,240,268-19,240,327, 60 bases duplicated. GRCh37 (hg19): chr1:19,566,763-19,566,822.
Other names: c.690_720+29dup (NM_001271429.2); c.756_786+29dup (NM_001271427.2, NM_001375821.1, NM_001271428.2 and 1 more transcripts).
Identifiers: ClinVar variation 3724884 (VCV003724884.2).

ClinVar aggregate classification (germline): Uncertain significance (1 of 4 stars; one submission).

Submission:

Labcorp Genetics (formerly Invitae), Labcorp
Classification: Uncertain significance. Last evaluated: 2024-11-10. Review status: criteria provided, single submitter. Criteria: Invitae Variant Classification Sherloc (09022015). Collection method: clinical testing. Allele origin: germline.
Comment: This sequence change falls in intron 7 of the EMC1 gene. It does not directly change the encoded amino acid sequence of the EMC1 protein. This variant is not present in population databases (gnomAD no frequency). This variant has not been reported in the literature in individuals affected with EMC1-related conditions. In summary, the available evidence is currently insufficient to determine the role of this variant in disease. Therefore, it has been classified as a Variant of Uncertain Significance.